The following is an entry in ClinVar:

ClinVar aggregate classification (germline): Uncertain significance. Review status: criteria provided, multiple submitters, no conflicts (2 of 4 stars). 3 submissions from 3 submitters: Uncertain significance (3). Last evaluated 2026-07-23.

Conditions:
REST-related disorder. Also called: REST-related condition.
Inborn genetic diseases. Identifiers: MedGen C0950123, MeSH D030342.

Allele frequency attached by ClinVar (database versions not stated): ExAC 0.00001; gnomAD 0.00003; TOPMed 0.00003.
gnomAD v4.1: 20 of 1,610,550 alleles (0.0012%); highest among the groups gnomAD compares: African/African-American, 0.012%; no homozygotes.

Submissions (3):

PreventionGenetics, part of Exact Sciences
Classification: Uncertain significance for REST-related condition. Last evaluated: 2026-07-23. Review status: criteria provided, single submitter. Criteria: ACMG Guidelines, 2015. Collection method: clinical testing. Allele origin: germline.
Comment: The REST c.1396G>A variant is predicted to result in the amino acid substitution p.Val466Ile. To our knowledge, this variant has not been reported in the literature. It is reported in 0.012% of alleles in individuals of African descent in gnomAD and is classified as uncertain in ClinVar (Variation ID: 2173590). Although we suspect that this variant may be benign, at this time, the clinical significance of this variant is uncertain due to the absence of conclusive functional and genetic evidence.

Labcorp Genetics (formerly Invitae), Labcorp
Classification: Uncertain significance. Last evaluated: 2024-04-15. Review status: criteria provided, single submitter. Criteria: Invitae Variant Classification Sherloc (09022015). Collection method: clinical testing. Allele origin: germline.
Comment: This sequence change replaces valine, which is neutral and non-polar, with isoleucine, which is neutral and non-polar, at codon 466 of the REST protein (p.Val466Ile). The frequency data for this variant in the population databases is considered unreliable, as metrics indicate poor data quality at this position in the gnomAD database. This variant has not been reported in the literature in individuals affected with REST-related conditions. ClinVar contains an entry for this variant (Variation ID: 2173590). Algorithms developed to predict the effect of missense changes on protein structure and function output the following: SIFT: "Not Available"; PolyPhen-2: "Benign"; Align-GVGD: "Not Available". The isoleucine amino acid residue is found in multiple mammalian species, which suggests that this missense change does not adversely affect protein function. In summary, the available evidence is currently insufficient to determine the role of this variant in disease. Therefore, it has been classified as a Variant of Uncertain Significance.

Ambry Genetics
Classification: Uncertain significance for Inborn genetic diseases. Last evaluated: 2023-12-26. Review status: criteria provided, single submitter. Criteria: Ambry Variant Classification Scheme 2023. Collection method: clinical testing. Allele origin: germline.

NM_005612.5(REST):c.1396G>A (p.Val466Ile)

Gene: REST (RE1 silencing transcription factor; plus strand). Cytogenetic location: 4q12.
Variant type: single nucleotide variant.
Coding change: c.1396G>A on transcript NM_005612.5 (MANE Select); coding-DNA position 1396, G replaced by A.
Protein change: p.Val466Ile; replaces valine 466 with isoleucine.
Molecular consequence: missense variant.
Genome position (GRCh38, 1-based): chr4:56,930,254, G>A. VCF-style: chr4-56930254-G-A. GRCh37 (hg19) VCF-style: chr4-57796420-G-A.
Other names: c.1396G>A, p.Val466Ile (NM_001363453.3, NM_001193508.2); short protein forms V466I.
Identifiers: ClinVar variation 2173590 (VCV002173590.6), dbSNP rs774421905, ClinGen allele CA2932260.